The following is an entry in ClinVar:

NM_001366722.1(GRIP1):c.1438G>C (p.Val480Leu)

Gene: GRIP1 (glutamate receptor interacting protein 1; minus strand). Cytogenetic location: 12q14.3.
Variant type: single nucleotide variant.
Coding change: c.1438G>C on transcript NM_001366722.1 (MANE Select); coding-DNA position 1438, G replaced by C.
Protein change: p.Val480Leu; replaces valine 480 with leucine.
Molecular consequence: missense variant.
Genome position (GRCh38, 1-based): chr12:66,445,425, C>G on the plus strand (G>C on the coding strand, the complement: GRIP1 is on the minus strand). VCF-style: chr12-66445425-C-G. GRCh37 (hg19) VCF-style: chr12-66839205-C-G.
Other names: c.1282G>C (NM_021150.3); c.1282G>C, p.Val428Leu (NM_001178074.2, NM_001379351.1, NM_021150.4); c.1357G>C, p.Val453Leu (NM_001366723.1, NM_001379348.1); c.1360G>C, p.Val454Leu (NM_001366724.1, NM_001379347.1); c.1516G>C, p.Val506Leu (NM_001379345.1); c.1438G>C, p.Val480Leu (NM_001379346.1); c.1285G>C, p.Val429Leu (NM_001379349.1); short protein forms V453L, V454L, V506L, V428L, V429L, V480L.
Identifiers: ClinVar variation 1980678 (VCV001980678.5), dbSNP rs775402856, ClinGen allele CA6674371.

ClinVar aggregate classification (germline): Uncertain significance. Review status: criteria provided, multiple submitters, no conflicts (2 of 4 stars). 3 submissions from 3 submitters: Uncertain significance (3). Last evaluated 2025-03-18.

Conditions:
Fraser syndrome 3. Identifiers: MedGen C4540040, MONDO:0054739, OMIM 617667.
Inborn genetic diseases. Identifiers: MedGen C0950123, MeSH D030342.

Allele frequency attached by ClinVar (database versions not stated): TOPMed 0.00002; ExAC 0.00003; gnomAD exomes 0.00003.
gnomAD v4.1: 47 of 1,614,102 alleles (0.0029%); highest among the groups gnomAD compares: Non-Finnish European, 0.0039%; no homozygotes.

Submissions (3):

Labcorp Genetics (formerly Invitae), Labcorp
Classification: Uncertain significance. Last evaluated: 2025-03-18. Review status: criteria provided, single submitter. Criteria: Invitae Variant Classification Sherloc (09022015). Collection method: clinical testing. Allele origin: germline.
Comment: This sequence change replaces valine, which is neutral and non-polar, with leucine, which is neutral and non-polar, at codon 428 of the GRIP1 protein (p.Val428Leu). This variant is present in population databases (rs775402856, gnomAD 0.007%). This variant has not been reported in the literature in individuals affected with GRIP1-related conditions. ClinVar contains an entry for this variant (Variation ID: 1980678). Invitae Evidence Modeling of protein sequence and biophysical properties (such as structural, functional, and spatial information, amino acid conservation, physicochemical variation, residue mobility, and thermodynamic stability) indicates that this missense variant is not expected to disrupt GRIP1 protein function with a negative predictive value of 80%. In summary, the available evidence is currently insufficient to determine the role of this variant in disease. Therefore, it has been classified as a Variant of Uncertain Significance.

Fulgent Genetics
Classification: Uncertain significance for Fraser syndrome 3. Last evaluated: 2024-02-06. Review status: criteria provided, single submitter. Criteria: ACMG Guidelines, 2015. Collection method: clinical testing. Allele origin: germline.

Ambry Genetics
Classification: Uncertain significance for Inborn genetic diseases. Last evaluated: 2023-12-22. Review status: criteria provided, single submitter. Criteria: Ambry Variant Classification Scheme 2023. Collection method: clinical testing. Allele origin: germline.